The following is an entry in ClinVar:

ClinVar aggregate classification (germline): Conflicting classifications of pathogenicity. Review status: criteria provided, conflicting classifications (1 of 4 stars). 7 submissions from 7 submitters: Uncertain significance (5); Likely benign (2). Last evaluated 2026-08-01.

Conditions:
Cardiovascular phenotype. Identifiers: MedGen CN230736.
Autosomal recessive limb-girdle muscular dystrophy type 2J (LGMDR10). Also called: MUSCULAR DYSTROPHY, LIMB-GIRDLE, AUTOSOMAL RECESSIVE 10; Limb-girdle muscular dystrophy, type 2J. Identifiers: Orphanet 140922, MedGen C1837342, MONDO:0012127, OMIM 608807.
Dilated cardiomyopathy 1G (CMD1G). Identifiers: Orphanet 154, MedGen C1858763, MONDO:0011400, OMIM 604145.

Allele frequency attached by ClinVar (database versions not stated): ExAC 0.00001; gnomAD 0.00001; gnomAD exomes 0.00002 and 0.00005; TOPMed 0.00003; ESP Exome Variant Server 0.00008.
gnomAD v4.1: 66 of 1,613,928 alleles (0.0041%); highest among the groups gnomAD compares: Non-Finnish European, 0.0055%; no homozygotes.

Submissions (7):

CeGaT Center for Human Genetics Tuebingen
Classification: Uncertain significance. Last evaluated: 2026-08-01. Review status: criteria provided, single submitter. Criteria: CeGaT Center For Human Genetics Tuebingen Variant Classification Criteria Version 2. Collection method: clinical testing. Allele origin: germline. Affected: yes. Observed: 1 variant allele.
Comment: TTN: PM2, BP4

Women's Health and Genetics/Laboratory Corporation of America, LabCorp
Classification: Uncertain significance. Last evaluated: 2026-05-04. Review status: criteria provided, single submitter. Criteria: LabCorp Variant Classification Summary - May 2015. Collection method: clinical testing. Allele origin: germline.

Molecular Diagnostic Laboratory for Inherited Cardiovascular Disease, Montreal Heart Institute
Classification: Likely benign. Last evaluated: 2025-04-09. Review status: criteria provided, single submitter. Criteria: ACMG Guidelines, 2015. Collection method: clinical testing. Allele origin: germline. Affected: no.

Ambry Genetics
Classification: Likely benign for Cardiovascular phenotype. Last evaluated: 2020-06-10. Review status: criteria provided, single submitter. Criteria: Ambry Variant Classification Scheme 2023. Collection method: clinical testing. Allele origin: germline.

GeneDx
Classification: Uncertain significance. Last evaluated: 2019-10-03. Review status: criteria provided, single submitter. Criteria: GeneDx Variant Classification Process June 2021. Collection method: clinical testing. Allele origin: germline. Affected: yes.
Comment: Not observed at a significant frequency in large population cohorts (Lek et al., 2016); Has not been previously published as pathogenic or benign to our knowledge

Revvity Omics, Revvity
Classification: Uncertain significance. Last evaluated: 2019-03-25. Review status: criteria provided, single submitter. Criteria: ACMG Guidelines, 2015. Collection method: clinical testing. Allele origin: germline.

Labcorp Genetics (formerly Invitae), Labcorp
Classification: Uncertain significance for Dilated cardiomyopathy 1G; Autosomal recessive limb-girdle muscular dystrophy type 2J. Last evaluated: 2017-12-28. Review status: criteria provided, single submitter. Criteria: Invitae Variant Classification Sherloc (09022015). Collection method: clinical testing. Allele origin: germline.

NM_001267550.2(TTN):c.10288A>C (p.Asn3430His)

Gene: TTN (titin; minus strand). Cytogenetic location: 2q31.2.
Variant type: single nucleotide variant.
Coding change: c.10288A>C on transcript NM_001267550.2 (MANE Select); coding-DNA position 10288, A replaced by C.
Protein change: p.Asn3430His; replaces asparagine 3430 with histidine.
Molecular consequence: missense variant.
Genome position (GRCh38, 1-based): chr2:178,758,999, T>G on the plus strand (A>C on the coding strand, the complement: TTN is on the minus strand). VCF-style: chr2-178758999-T-G. GRCh37 (hg19) VCF-style: chr2-179623726-T-G.
Other names: c.10150A>C, p.Asn3384His (NM_003319.4, NM_133432.3, NM_133437.4); c.10288A>C, p.Asn3430His (NM_133378.4, NM_133379.5, NM_001256850.1); short protein forms N3430H, N3384H.
Identifiers: ClinVar variation 509244 (VCV000509244.13), dbSNP rs376029089, ClinGen allele CA2004146.
Genomic context (GRCh38, chr2:178,758,999, plus strand): 5'-TTCGATCTATATTTAAATGGGGTTCTGAAAGTTGTTTTACTTTACCTTCCAGACTCAGGT[T>G]GGCTGTGCTTGATACTTGGCCTACAGCATTACTAGCAACAAACGTGTAAGTTCCTTCATC-3'
Protein context (NP_001254479.2, residues 3420-3440): NAVGQVSSTA[Asn3430His]LSLEGFSKFE